The following is an entry in ClinVar:

NM_012330.4(KAT6B):c.3123G>C (p.Ser1041=)

Gene: KAT6B (lysine acetyltransferase 6B; plus strand). Cytogenetic location: 10q22.2.
Variant type: single nucleotide variant.
Coding change: c.3123G>C on transcript NM_012330.4 (MANE Select); coding-DNA position 3123, G replaced by C.
Protein change: p.Ser1041=; no amino-acid change (serine 1041 retained).
Molecular consequence: synonymous variant.
Genome position (GRCh38, 1-based): chr10:75,021,982, G>C. VCF-style: chr10-75021982-G-C. GRCh37 (hg19) VCF-style: chr10-76781740-G-C.
Other names: c.2574G>C, p.Ser858= (NM_001256468.2, NM_001370138.1); c.2247G>C, p.Ser749= (NM_001256469.2, NM_001370139.1, NM_001370140.1 and 2 more transcripts); c.2085G>C, p.Ser695= (NM_001370132.1); c.1434G>C, p.Ser478= (NM_001370133.1); c.1038G>C, p.Ser346= (NM_001370134.1); c.780G>C, p.Ser260= (NM_001370135.1); c.3123G>C, p.Ser1041= (NM_001370136.1, NM_001370137.1); c.2058G>C, p.Ser686= (NM_001370143.1, NM_001370144.1).
Identifiers: ClinVar variation 507770 (VCV000507770.2), dbSNP rs758752251, ClinGen allele CA5564732.

ClinVar aggregate classification (germline): Likely benign. Review status: criteria provided, multiple submitters, no conflicts (2 of 4 stars). 2 submissions from 2 submitters: Likely benign (2). Last evaluated 2025-09-14.

Conditions:
Genitopatellar syndrome (GTPTS). Also called: Genitopatellar syndrome (GPS); ABSENT PATELLAE, SCROTAL HYPOPLASIA, RENAL ANOMALIES, FACIAL DYSMORPHISM, AND MENTAL RETARDATION. Identifiers: Orphanet 85201, MedGen C1853566, MONDO:0011640, OMIM 606170.

Allele frequency attached by ClinVar (database versions not stated): ExAC 0.00001; gnomAD exomes 0.00001.
gnomAD v4.1: 1 of 1,614,108 alleles (0.000062%); highest among the groups gnomAD compares: African/African-American, 0.0013%; no homozygotes.

Submissions (2):

Labcorp Genetics (formerly Invitae), Labcorp
Classification: Likely benign for Genitopatellar syndrome. Last evaluated: 2025-09-14. Review status: criteria provided, single submitter. Criteria: Invitae Variant Classification Sherloc (09022015). Collection method: clinical testing. Allele origin: germline.

GeneDx
Classification: Likely benign. Last evaluated: 2017-03-01. Review status: criteria provided, single submitter. Criteria: GeneDx Variant Classification (06012015). Collection method: clinical testing. Allele origin: germline. Affected: yes.
Comment: This variant is considered likely benign or benign based on one or more of the following criteria: it is a conservative change, it occurs at a poorly conserved position in the protein, it is predicted to be benign by multiple in silico algorithms, and/or has population frequency not consistent with disease.